The following is an entry in ClinVar:

ClinVar aggregate classification (germline): Conflicting classifications of pathogenicity. Review status: criteria provided, conflicting classifications (1 of 4 stars). 3 submissions from 3 submitters: Uncertain significance (1); Likely benign (2). Last evaluated 2025-06-29.

Conditions:
Inborn genetic diseases. Identifiers: MedGen C0950123, MeSH D030342.

gnomAD v4.1: 49 of 1,613,054 alleles (0.003%); highest among the groups gnomAD compares: Middle Eastern, 0.016%; no homozygotes.

Submissions (3):

Ambry Genetics
Classification: Likely benign for Inborn genetic diseases. Last evaluated: 2025-06-29. Review status: criteria provided, single submitter. Criteria: Ambry Variant Classification Scheme 2023. Collection method: clinical testing. Allele origin: germline.

Laboratory of Genetics, Children's Clinical University Hospital Latvia
Classification: Likely benign. Last evaluated: 2025-02-16. Review status: criteria provided, single submitter. Criteria: ACMG Guidelines, 2015. Collection method: clinical testing. Allele origin: germline. Affected: yes.

Labcorp Genetics (formerly Invitae), Labcorp
Classification: Uncertain significance. Last evaluated: 2024-10-08. Review status: criteria provided, single submitter. Criteria: Invitae Variant Classification Sherloc (09022015). Collection method: clinical testing. Allele origin: germline.
Comment: This sequence change replaces alanine, which is neutral and non-polar, with threonine, which is neutral and polar, at codon 373 of the HDAC4 protein (p.Ala373Thr). This variant is present in population databases (rs115644432, gnomAD 0.01%). This variant has not been reported in the literature in individuals affected with HDAC4-related conditions. Invitae Evidence Modeling of protein sequence and biophysical properties (such as structural, functional, and spatial information, amino acid conservation, physicochemical variation, residue mobility, and thermodynamic stability) indicates that this missense variant is not expected to disrupt HDAC4 protein function with a negative predictive value of 80%. In summary, the available evidence is currently insufficient to determine the role of this variant in disease. Therefore, it has been classified as a Variant of Uncertain Significance.

NM_001378414.1(HDAC4):c.1117G>A (p.Ala373Thr)

Gene: HDAC4 (histone deacetylase 4; minus strand). Cytogenetic location: 2q37.3.
Variant type: single nucleotide variant.
Coding change: c.1117G>A on transcript NM_001378414.1 (MANE Select); coding-DNA position 1117, G replaced by A.
Protein change: p.Ala373Thr; replaces alanine 373 with threonine.
Molecular consequence: missense variant.
Genome position (GRCh38, 1-based): chr2:239,134,422, C>T on the plus strand (G>A on the coding strand, the complement: HDAC4 is on the minus strand). VCF-style: chr2-239134422-C-T. GRCh37 (hg19) VCF-style: chr2-240056118-C-T.
Other names: c.1117G>A (NM_006037.3); c.1117G>A, p.Ala373Thr (NM_001378415.1, NM_001378416.1, NM_001378417.1 and 1 more transcripts); short protein forms A373T.
Identifiers: ClinVar variation 3672993 (VCV003672993.4).